The following is an entry in ClinVar:

NM_001065.4(TNFRSF1A):c.824C>T (p.Pro275Leu)

Gene: TNFRSF1A (TNF receptor superfamily member 1A; minus strand). Cytogenetic location: 12p13.31.
Variant type: single nucleotide variant.
Coding change: c.824C>T on transcript NM_001065.4 (MANE Select); coding-DNA position 824, C replaced by T.
Protein change: p.Pro275Leu; replaces proline 275 with leucine.
Molecular consequence: missense variant. On other transcripts: non-coding transcript variant (1).
Genome position (GRCh38, 1-based): chr12:6,330,011, G>A on the plus strand (C>T on the coding strand, the complement: TNFRSF1A is on the minus strand). VCF-style: chr12-6330011-G-A. GRCh37 (hg19) VCF-style: chr12-6439177-G-A.
Other names: c.500C>T, p.Pro167Leu (NM_001346091.2); c.365C>T, p.Pro122Leu (NM_001346092.2); short protein forms P275L, P122L, P167L.
Identifiers: ClinVar variation 1505375 (VCV001505375.8), dbSNP rs1473547216, ClinGen allele CA383546090.
Genomic context (GRCh38, chr12:6,330,011, plus strand): 5'-GAGGTGAAGGTGGAACTGGGCACGGGACTGAAGCCCAGGGTGGGGGTGAAGCCTGGAGTG[G>A]GACTGAAGCTTGGGTTTGGGGCCAGGGGCTTAGTAGTAGTTCCTTCAAGCTCCCCCTGAA-3'
Protein context (NP_001056.1, residues 265-285): KPLAPNPSFS[Pro275Leu]TPGFTPTLGF

ClinVar aggregate classification (germline): Uncertain significance (1 of 4 stars; one submission).

Conditions:
TNF receptor-associated periodic fever syndrome (TRAPS) (FPF). Also called: Autosomal Dominant Familial Periodic Fever; FAMILIAL HIBERNIAN FEVER; TNF RECEPTOR-ASSOCIATED PERIODIC SYNDROME; TUMOR NECROSIS FACTOR RECEPTOR-ASSOCIATED PERIODIC SYNDROME; TNF Receptor-Associated Periodic Fever Syndrome; TNF receptor 1-associated periodic fever syndrome. Identifiers: Orphanet 32960, MedGen C1275126, MONDO:0007727, OMIM 142680.

gnomAD v4.1: 1 of 1,608,782 alleles (0.000062%); no homozygotes.

Submission:

Labcorp Genetics (formerly Invitae), Labcorp
Classification: Uncertain significance for TNF receptor-associated periodic fever syndrome (TRAPS). Last evaluated: 2021-04-19. Review status: criteria provided, single submitter. Criteria: Invitae Variant Classification Sherloc (09022015). Collection method: clinical testing. Allele origin: germline.
Comment: In summary, the available evidence is currently insufficient to determine the role of this variant in disease. Therefore, it has been classified as a Variant of Uncertain Significance. Advanced modeling of protein sequence and biophysical properties (such as structural, functional, and spatial information, amino acid conservation, physicochemical variation, residue mobility, and thermodynamic stability) performed at Invitae indicates that this missense variant is not expected to disrupt TNFRSF1A protein function. This variant has not been reported in the literature in individuals with TNFRSF1A-related conditions. This variant is not present in population databases (ExAC no frequency). This sequence change replaces proline with leucine at codon 275 of the TNFRSF1A protein (p.Pro275Leu). The proline residue is moderately conserved and there is a moderate physicochemical difference between proline and leucine.